The following is an entry in ClinVar:

NM_002432.3(MNDA):c.73A>G (p.Ile25Val)

Gene: MNDA (myeloid cell nuclear differentiation antigen; plus strand). Cytogenetic location: 1q23.1.
Variant type: single nucleotide variant.
Coding change: c.73A>G on transcript NM_002432.3 (MANE Select); coding-DNA position 73, A replaced by G.
Protein change: p.Ile25Val; replaces isoleucine 25 with valine.
Molecular consequence: missense variant.
Genome position (GRCh38, 1-based): chr1:158,842,226, A>G. VCF-style: chr1-158842226-A-G. GRCh37 (hg19) VCF-style: chr1-158812016-A-G.
Other names: short protein forms I25V.
Identifiers: ClinVar variation 2496987 (VCV002496987.2), dbSNP rs565293601, ClinGen allele CA1185475.

ClinVar aggregate classification (germline): Uncertain significance (1 of 4 stars; one submission).

Allele frequency attached by ClinVar (database versions not stated): TOPMed 0.00004; gnomAD 0.00021; gnomAD exomes 0.00051; 1000 Genomes Project 30x 0.00094; ExAC 0.00105; 1000 Genomes Project 0.00120.
gnomAD v4.1: 777 of 1,614,030 alleles (0.048%); highest among the groups gnomAD compares: South Asian, 0.81%; 13 homozygotes.

Submission:

Ambry Genetics
Classification: Uncertain significance. Last evaluated: 2022-11-17. Review status: criteria provided, single submitter. Criteria: Ambry Variant Classification Scheme 2023. Collection method: clinical testing. Allele origin: germline.
Comment: The p.I25V variant (also known as c.73A>G), located in coding exon 1 of the MNDA gene, results from an A to G substitution at nucleotide position 73. The isoleucine at codon 25 is replaced by valine, an amino acid with highly similar properties. This amino acid position is conserved. In addition, this alteration is predicted to be tolerated by in silico analysis. Since supporting evidence is limited at this time, the clinical significance of this alteration remains unclear.